The following is an entry in ClinVar:

NM_004958.4(MTOR):c.1606C>T (p.Gln536Ter)

Gene: MTOR (mechanistic target of rapamycin kinase; minus strand). Cytogenetic location: 1p36.22.
Variant type: single nucleotide variant.
Coding change: c.1606C>T on transcript NM_004958.4 (MANE Select); coding-DNA position 1606, C replaced by T.
Protein change: p.Gln536Ter; replaces glutamine 536 with a stop codon.
Molecular consequence: nonsense.
Genome position (GRCh38, 1-based): chr1:11,240,483, G>A on the plus strand (C>T on the coding strand, the complement: MTOR is on the minus strand). VCF-style: chr1-11240483-G-A. GRCh37 (hg19) VCF-style: chr1-11300540-G-A.
Other names: short protein forms Q536*.
Identifiers: ClinVar variation 969351 (VCV000969351.8), dbSNP rs1647860969, ClinGen allele CA338393081.

ClinVar aggregate classification (germline): Uncertain significance (1 of 4 stars; one submission).

Submission:

Labcorp Genetics (formerly Invitae), Labcorp
Classification: Uncertain significance. Last evaluated: 2025-08-09. Review status: criteria provided, single submitter. Criteria: Invitae Variant Classification Sherloc (09022015). Collection method: clinical testing. Allele origin: germline.
Comment: This sequence change creates a premature translational stop signal (p.Gln536*) in the MTOR gene. It is expected to result in an absent or disrupted protein product. However, the current clinical and genetic evidence is not sufficient to establish whether loss-of-function variants in MTOR cause disease. This variant is not present in population databases (gnomAD no frequency). This variant has not been reported in the literature in individuals affected with MTOR-related conditions. ClinVar contains an entry for this variant (Variation ID: 969351). In summary, the available evidence is currently insufficient to determine the role of this variant in disease. Therefore, it has been classified as a Variant of Uncertain Significance.